The following is an entry in ClinVar:

ClinVar aggregate classification (germline): Uncertain significance. Review status: criteria provided, multiple submitters, no conflicts (2 of 4 stars). 2 submissions from 2 submitters: Uncertain significance (2). Last evaluated 2024-11-21.

Conditions:
Landau-Kleffner syndrome (FESD). Also called: EPILEPSY, FOCAL, WITH SPEECH DISORDER AND WITH OR WITHOUT MENTAL RETARDATION; APHASIA, ACQUIRED, WITH EPILEPSY. Identifiers: Orphanet 1945, Orphanet 725, Orphanet 98818, MedGen C0282512, MONDO:0009509, OMIM 245570.

gnomAD v4.1: 5 of 1,613,646 alleles (0.00031%); highest among the groups gnomAD compares: Non-Finnish European, 0.00042%; no homozygotes.

Submissions (2):

Labcorp Genetics (formerly Invitae), Labcorp
Classification: Uncertain significance for Landau-Kleffner syndrome. Last evaluated: 2024-11-21. Review status: criteria provided, single submitter. Criteria: Invitae Variant Classification Sherloc (09022015). Collection method: clinical testing. Allele origin: germline.
Comment: This sequence change replaces aspartic acid, which is acidic and polar, with tyrosine, which is neutral and polar, at codon 1293 of the GRIN2A protein (p.Asp1293Tyr). This variant is present in population databases (no rsID available, gnomAD 0.002%). This variant has not been reported in the literature in individuals affected with GRIN2A-related conditions. ClinVar contains an entry for this variant (Variation ID: 1325911). Invitae Evidence Modeling of protein sequence and biophysical properties (such as structural, functional, and spatial information, amino acid conservation, physicochemical variation, residue mobility, and thermodynamic stability) indicates that this missense variant is not expected to disrupt GRIN2A protein function with a negative predictive value of 95%. In summary, the available evidence is currently insufficient to determine the role of this variant in disease. Therefore, it has been classified as a Variant of Uncertain Significance.

GeneDx
Classification: Uncertain significance. Last evaluated: 2021-11-11. Review status: criteria provided, single submitter. Criteria: GeneDx Variant Classification Process June 2021. Collection method: clinical testing. Allele origin: germline. Affected: yes.
Comment: Not observed at a significant frequency in large population cohorts (Lek et al., 2016); In silico analysis supports that this missense variant has a deleterious effect on protein structure/function; Has not been previously published as pathogenic or benign to our knowledge

NM_001134407.3(GRIN2A):c.3877G>T (p.Asp1293Tyr)

Gene: GRIN2A (glutamate ionotropic receptor NMDA type subunit 2A; minus strand). Cytogenetic location: 16p13.2.
Variant type: single nucleotide variant.
Coding change: c.3877G>T on transcript NM_001134407.3 (MANE Select); coding-DNA position 3877, G replaced by T.
Protein change: p.Asp1293Tyr; replaces aspartic acid 1293 with tyrosine.
Molecular consequence: missense variant. On other transcripts: intron variant (1).
Genome position (GRCh38, 1-based): chr16:9,763,667, C>A on the plus strand (G>T on the coding strand, the complement: GRIN2A is on the minus strand). VCF-style: chr16-9763667-C-A. GRCh37 (hg19) VCF-style: chr16-9857524-C-A.
Other names: c.3877G>T, p.Asp1293Tyr (NM_000833.5); c.3772+105G>T (NM_001134408.2); short protein forms D1293Y.
Identifiers: ClinVar variation 1325911 (VCV001325911.5), dbSNP rs778230379, ClinGen allele CA277536485.